The following is an entry in ClinVar:

ClinVar aggregate classification (germline): Uncertain significance. Review status: criteria provided, multiple submitters, no conflicts (2 of 4 stars). 3 submissions from 3 submitters: Uncertain significance (3). Last evaluated 2025-12-24.

Conditions:
Long QT syndrome 11 (LQT11). Identifiers: Orphanet 101016, Orphanet 768, MedGen C2678483, MONDO:0012738, OMIM 611820.
Cardiovascular phenotype. Identifiers: MedGen CN230736.
Long QT syndrome (LQTS). Identifiers: MedGen C0023976, MeSH D008133, MONDO:0002442. Disease mechanism: loss of function. Inheritance: Various modes of inheritance.

Allele frequency attached by ClinVar (database versions not stated): ExAC 0.00002; gnomAD exomes 0.00002 and 0.00004; TOPMed 0.00002; gnomAD 0.00005.
gnomAD v4.1: 67 of 1,567,796 alleles (0.0043%); highest among the groups gnomAD compares: Non-Finnish European, 0.0054%; no homozygotes.

Submissions (3):

Labcorp Genetics (formerly Invitae), Labcorp
Classification: Uncertain significance for Long QT syndrome. Last evaluated: 2025-12-24. Review status: criteria provided, single submitter. Criteria: Invitae Variant Classification Sherloc (09022015). Collection method: clinical testing. Allele origin: germline.
Comment: This sequence change falls in intron 43 of the AKAP9 gene. It does not directly change the encoded amino acid sequence of the AKAP9 protein. It affects a nucleotide within the consensus splice site. This variant is present in population databases (rs539934550, gnomAD 0.006%). This variant has not been reported in the literature in individuals affected with AKAP9-related conditions. ClinVar contains an entry for this variant (Variation ID: 1447323). Variants that disrupt the consensus splice site are a relatively common cause of aberrant splicing (PMID: 17576681, 9536098). Algorithms developed to predict the effect of sequence changes on RNA splicing suggest that this variant may create or strengthen a splice site. In summary, the available evidence is currently insufficient to determine the role of this variant in disease. Therefore, it has been classified as a Variant of Uncertain Significance.

Ambry Genetics
Classification: Uncertain significance for Cardiovascular phenotype. Last evaluated: 2025-11-07. Review status: criteria provided, single submitter. Criteria: Ambry Variant Classification Scheme 2023. Collection method: clinical testing. Allele origin: germline.
Comment: The c.10713+4A>G intronic variant results from an A to G substitution 4 nucleotides after coding exon 43 in the AKAP9 gene. This nucleotide position is well conserved in available vertebrate species. In silico splice site analysis for this alteration is inconclusive. The evidence for this gene-disease relationship is limited; therefore, the clinical significance of this alteration is unclear.

Fulgent Genetics
Classification: Uncertain significance for Long QT syndrome 11. Last evaluated: 2021-11-09. Review status: criteria provided, single submitter. Criteria: ACMG Guidelines, 2015. Collection method: clinical testing. Allele origin: unknown.

Literature cited by the submitters: PubMed 17576681 (cited by Labcorp Genetics (formerly Invitae), Labcorp); PubMed 9536098 (cited by Labcorp Genetics (formerly Invitae), Labcorp).

NM_005751.5(AKAP9):c.10713+4A>G

Gene: AKAP9 (A-kinase anchoring protein 9; plus strand). Cytogenetic location: 7q21.2.
Variant type: single nucleotide variant.
Coding change: c.10713+4A>G on transcript NM_005751.5 (MANE Select); 4 bases into the intron after coding-DNA position 10713, A replaced by G.
Molecular consequence: intron variant.
Genome position (GRCh38, 1-based): chr7:92,098,218, A>G. VCF-style: chr7-92098218-A-G. GRCh37 (hg19) VCF-style: chr7-91727532-A-G.
Other names: c.10689+4A>G (NM_147185.3); c.5358+4A>G (NM_001379277.1).
Identifiers: ClinVar variation 1447323 (VCV001447323.10), dbSNP rs539934550, ClinGen allele CA4338003.